The following is an entry in ClinVar:

NM_006031.6(PCNT):c.7632G>A (p.Thr2544=)

Gene: PCNT (pericentrin; plus strand). Cytogenetic location: 21q22.3.
Variant type: single nucleotide variant.
Coding change: c.7632G>A on transcript NM_006031.6 (MANE Select); coding-DNA position 7632, G replaced by A.
Protein change: p.Thr2544=; no amino-acid change (threonine 2544 retained).
Molecular consequence: synonymous variant.
Genome position (GRCh38, 1-based): chr21:46,428,532, G>A. VCF-style: chr21-46428532-G-A. GRCh37 (hg19) VCF-style: chr21-47848446-G-A.
Other names: c.7278G>A, p.Thr2426= (NM_001315529.2).
Identifiers: ClinVar variation 1337485 (VCV001337485.10), dbSNP rs541260181, ClinGen allele CA10080727.

ClinVar aggregate classification (germline): Conflicting classifications of pathogenicity. Review status: criteria provided, conflicting classifications (1 of 4 stars). 3 submissions from 3 submitters: Uncertain significance (1); Likely benign (1). 1 of the submissions does not count toward it. Last evaluated 2024-03-02.

Conditions:
PCNT-related disorder. Also called: PCNT-related condition.

Allele frequency attached by ClinVar (database versions not stated): ExAC 0.00009; gnomAD exomes 0.00009 and 0.00004; 1000 Genomes Project 30x 0.00031; 1000 Genomes Project 0.00040; gnomAD 0.00002 and 0.00005; TOPMed 0.00003.
gnomAD v4.1: 74 of 1,610,696 alleles (0.0046%); highest among the groups gnomAD compares: South Asian, 0.06%; no homozygotes.

Submissions (3):

Labcorp Genetics (formerly Invitae), Labcorp
Classification: Likely benign. Last evaluated: 2024-03-02. Review status: criteria provided, single submitter. Criteria: Invitae Variant Classification Sherloc (09022015). Collection method: clinical testing. Allele origin: germline.

Genetic Services Laboratory, University of Chicago
Classification: Uncertain significance. Last evaluated: 2019-12-27. Review status: criteria provided, single submitter. Criteria: ACMG Guidelines, 2015. Collection method: clinical testing. Allele origin: germline. Affected: no.

PreventionGenetics, part of Exact Sciences
Classification: Likely benign for PCNT-related condition. Last evaluated: 2024-02-13. Review status: no assertion criteria provided. Collection method: clinical testing. Allele origin: germline. Not counted in ClinVar's aggregate classification.
Comment: This variant is classified as likely benign based on ACMG/AMP sequence variant interpretation guidelines (Richards et al. 2015 PMID: 25741868, with internal and published modifications).